The following is an entry in ClinVar:

NM_001376.5(DYNC1H1):c.8343+5G>A

Gene: DYNC1H1 (dynein cytoplasmic 1 heavy chain 1; plus strand). Cytogenetic location: 14q32.31.
Variant type: single nucleotide variant.
Coding change: c.8343+5G>A on transcript NM_001376.5 (MANE Select); 5 bases into the intron after coding-DNA position 8343, G replaced by A.
Molecular consequence: intron variant.
Genome position (GRCh38, 1-based): chr14:102,018,621, G>A. VCF-style: chr14-102018621-G-A. GRCh37 (hg19) VCF-style: chr14-102484958-G-A.
Identifiers: ClinVar variation 665144 (VCV000665144.11), dbSNP rs369653555, ClinGen allele CA7352998.

ClinVar aggregate classification (germline): Conflicting classifications of pathogenicity. Review status: criteria provided, conflicting classifications (1 of 4 stars). 5 submissions from 5 submitters: Likely pathogenic (1); Uncertain significance (4). Last evaluated 2025-09-02.

Conditions:
Distal myopathy. Identifiers: Orphanet 599, MedGen C0751336, MONDO:0018949.
Charcot-Marie-Tooth disease axonal type 2O. Also called: CHARCOT-MARIE-TOOTH NEUROPATHY, AXONAL, TYPE 2O; CHARCOT-MARIE-TOOTH DISEASE, AXONAL, AUTOSOMAL DOMINANT, TYPE 2O; Charcot-Marie-Tooth Neuropathy Type 2O; Charcot-Marie-Tooth disease, axonal, type 20. Identifiers: Orphanet 284232, MedGen C3280220, MONDO:0013644, OMIM 614228.

Allele frequency attached by ClinVar (database versions not stated): gnomAD 0.00001; gnomAD exomes 0.00002; TOPMed 0.00003; ESP Exome Variant Server 0.00008; 1000 Genomes Project 30x 0.00016; 1000 Genomes Project 0.00020; ExAC 0.00002.
gnomAD v4.1: 35 of 1,613,344 alleles (0.0022%); highest among the groups gnomAD compares: East Asian, 0.02%; no homozygotes.

Submissions (5):

Women's Health and Genetics/Laboratory Corporation of America, LabCorp
Classification: Uncertain significance. Last evaluated: 2025-09-02. Review status: criteria provided, single submitter. Criteria: LabCorp Variant Classification Summary - May 2015. Collection method: clinical testing. Allele origin: germline.
Comment: Variant summary: DYNC1H1 c.8343+5G>A alters a nucleotide located close to a canonical splice site and therefore could affect mRNA splicing, leading to a significantly altered protein sequence. Several computational tools predict a significant impact on normal splicing: Four predict the variant weakens a 5' donor site. At least one publication reports experimental evidence that this variant resulted in a wild-type fragment (299 bp) and a smaller fragment, confirming the exon 41 skipping, as shown via Sanger sequencing (Innella_2024). The variant allele was found at a frequency of 2e-05 in 250740 control chromosomes (gnomAD). The available data on variant occurrences in the general population are insufficient to allow any conclusion about variant significance. c.8343+5G>A has been observed in one individual affected with peripheral neuropathy (Innella_2024). These report does not provide unequivocal conclusions about association of the variant with Charcot-Marie-Tooth disease axonal type 2O. To our knowledge, no experimental evidence demonstrating an impact on protein function has been reported. The following publication has been ascertained in the context of this evaluation (PMID: 39707869). ClinVar contains an entry for this variant (Variation ID: 665144). Based on the evidence outlined above, the variant was classified as uncertain significance.

Labcorp Genetics (formerly Invitae), Labcorp
Classification: Uncertain significance for Charcot-Marie-Tooth disease axonal type 2O. Last evaluated: 2025-04-17. Review status: criteria provided, single submitter. Criteria: Invitae Variant Classification Sherloc (09022015). Collection method: clinical testing. Allele origin: germline.
Comment: This sequence change falls in intron 41 of the DYNC1H1 gene. It does not directly change the encoded amino acid sequence of the DYNC1H1 protein. It affects a nucleotide within the consensus splice site. The frequency data for this variant in the population databases is considered unreliable, as metrics indicate poor data quality at this position in the gnomAD database. This variant has not been reported in the literature in individuals affected with DYNC1H1-related conditions. ClinVar contains an entry for this variant (Variation ID: 665144). Variants that disrupt the consensus splice site are a relatively common cause of aberrant splicing (PMID: 17576681, 9536098). Algorithms developed to predict the effect of sequence changes on RNA splicing suggest that this variant is not likely to affect RNA splicing. In summary, the available evidence is currently insufficient to determine the role of this variant in disease. Therefore, it has been classified as a Variant of Uncertain Significance.

Department of Medical and Surgical Sciences, University of Bologna
Classification: Likely pathogenic for Charcot-Marie-Tooth disease axonal type 2O. Last evaluated: 2024-12-06. Review status: criteria provided, single submitter. Criteria: ACMG Guidelines, 2015. Collection method: clinical testing. Allele origin: germline. Affected: yes.
Comment: The variant satisfied PM2 criterion. We performed transcript analysis which demonstrated its impact on splicing, allowing to add the PS3 criterion and to classify it as Likely Pathogenic

Cambridge Genomics Laboratory, East Genomic Laboratory Hub, NHS Genomic Medicine Service
Classification: Uncertain significance for Distal myopathy. Last evaluated: 2020-05-14. Review status: criteria provided, single submitter. Criteria: ACGS Best Practice Guidelines for Variant Classification in Rare Disease 2020. Collection method: clinical testing. Allele origin: germline. Affected: yes. Observed: 1 variant allele.

Breakthrough Genomics
Classification: Uncertain significance. Review status: criteria provided, single submitter. Criteria: ACMG Guidelines, 2015. Collection method: not provided. Allele origin: germline. Inheritance: Autosomal dominant inheritance. Affected: yes.

Literature cited by the submitters: PubMed 39707869 (cited by Women's Health and Genetics/Laboratory Corporation of America, LabCorp); PubMed 17576681 (cited by Labcorp Genetics (formerly Invitae), Labcorp); PubMed 9536098 (cited by Labcorp Genetics (formerly Invitae), Labcorp).